The following is an entry in ClinVar:

NM_001035.3(RYR2):c.6949G>A (p.Ala2317Thr)

Gene: RYR2 (ryanodine receptor 2; plus strand). Cytogenetic location: 1q43.
Variant type: single nucleotide variant.
Coding change: c.6949G>A on transcript NM_001035.3 (MANE Select); coding-DNA position 6949, G replaced by A.
Protein change: p.Ala2317Thr; replaces alanine 2317 with threonine.
Molecular consequence: missense variant.
Genome position (GRCh38, 1-based): chr1:237,639,035, G>A. VCF-style: chr1-237639035-G-A. GRCh37 (hg19) VCF-style: chr1-237802335-G-A.
Other names: short protein forms A2317T.
Identifiers: ClinVar variation 4800085 (VCV004800085.1), dbSNP rs794728749.
Genomic context (GRCh38, chr1:237,639,035, plus strand): 5'-TAATCATATTTGTTTACTTATCTTCCCCATTCTACTTTAGGGGAGAGTGTGGAGGAAAAT[G>A]CAAATGTCGTGGTGAGATTGCTCATTCGGAGGCCTGAGTGTTTTGGTCCTGCTTTGAGAG-3'
Protein context (NP_001026.2, residues 2307-2327): FCNGESVEEN[Ala2317Thr]NVVVRLLIRR

ClinVar aggregate classification (germline): Uncertain significance (1 of 4 stars; one submission).

Conditions:
Catecholaminergic polymorphic ventricular tachycardia 1. Also called: VENTRICULAR TACHYCARDIA, STRESS-INDUCED POLYMORPHIC 1; RYR2-Related Catecholaminergic Polymorphic Ventricular Tachycardia; VENTRICULAR TACHYCARDIA, CATECHOLAMINERGIC POLYMORPHIC, 1, WITH OR WITHOUT ATRIAL DYSFUNCTION AND/OR DILATED CARDIOMYOPATHY. Identifiers: Orphanet 3286, MedGen C1631597, MONDO:0011484, OMIM 604772.

Submission:

Labcorp Genetics (formerly Invitae), Labcorp
Classification: Uncertain significance for Catecholaminergic polymorphic ventricular tachycardia 1. Last evaluated: 2025-06-16. Review status: criteria provided, single submitter. Criteria: Invitae Variant Classification Sherloc (09022015). Collection method: clinical testing. Allele origin: germline.
Comment: This sequence change replaces alanine, which is neutral and non-polar, with threonine, which is neutral and polar, at codon 2317 of the RYR2 protein (p.Ala2317Thr). This variant is not present in population databases (gnomAD no frequency). This variant has not been reported in the literature in individuals affected with RYR2-related conditions. Invitae Evidence Modeling of protein sequence and biophysical properties (such as structural, functional, and spatial information, amino acid conservation, physicochemical variation, residue mobility, and thermodynamic stability) indicates that this missense variant is expected to disrupt RYR2 protein function with a positive predictive value of 95%. In summary, the available evidence is currently insufficient to determine the role of this variant in disease. Therefore, it has been classified as a Variant of Uncertain Significance.